The following is an entry in ClinVar:

ClinVar aggregate classification (germline): Likely benign. Review status: criteria provided, multiple submitters, no conflicts (2 of 4 stars). 5 submissions from 5 submitters: Likely benign (4). 1 of the submissions does not count toward it. Last evaluated 2026-01-19.

Conditions:
POLD1-related polyposis and colorectal cancer syndrome (CRCS10). Also called: Colorectal cancer, susceptibility to, 10; Colorectal cancer 10; COLORECTAL CANCER, SUSCEPTIBILITY TO, ON CHROMOSOME 19q. Identifiers: Orphanet 220460, MedGen C2675481, MONDO:0012953, OMIM 612591.
Hereditary cancer-predisposing syndrome. Also called: Neoplastic Syndromes, Hereditary; Hereditary neoplastic syndrome; Hereditary Cancer Syndrome; Tumor predisposition. Identifiers: Orphanet 140162, MedGen C0027672, MeSH D009386, MONDO:0015356.
POLD1-related disorder. Also called: POLD1-related disorders; POLD1-related condition.

Allele frequency attached by ClinVar (database versions not stated): gnomAD 0.00001 and 0.00002; TOPMed 0.00002; gnomAD exomes 0.00003 and 0.00006; ExAC 0.00005; ESP Exome Variant Server 0.00008; 1000 Genomes Project 30x 0.00016; 1000 Genomes Project 0.00020.
gnomAD v4.1: 48 of 1,612,708 alleles (0.003%); highest among the groups gnomAD compares: East Asian, 0.018%; no homozygotes.

Submissions (5):

Labcorp Genetics (formerly Invitae), Labcorp
Classification: Likely benign for POLD1-related polyposis and colorectal cancer syndrome. Last evaluated: 2026-01-19. Review status: criteria provided, single submitter. Criteria: Invitae Variant Classification Sherloc (09022015). Collection method: clinical testing. Allele origin: germline.

Sema4
Classification: Likely benign for Hereditary cancer-predisposing syndrome. Last evaluated: 2021-01-07. Review status: criteria provided, single submitter. Criteria: Sema4 Curation Guidelines. Collection method: curation. Allele origin: germline.

GeneDx
Classification: Likely benign. Last evaluated: 2019-09-10. Review status: criteria provided, single submitter. Criteria: GeneDx Variant Classification Process June 2021. Collection method: clinical testing. Allele origin: germline. Affected: yes.

Ambry Genetics
Classification: Likely benign for Hereditary cancer-predisposing syndrome. Last evaluated: 2017-12-29. Review status: criteria provided, single submitter. Criteria: Ambry Variant Classification Scheme 2023. Collection method: clinical testing. Allele origin: germline.

PreventionGenetics, part of Exact Sciences
Classification: Likely benign for POLD1-related condition. Last evaluated: 2023-11-03. Review status: no assertion criteria provided. Collection method: clinical testing. Allele origin: germline. Not counted in ClinVar's aggregate classification.
Comment: This variant is classified as likely benign based on ACMG/AMP sequence variant interpretation guidelines (Richards et al. 2015 PMID: 25741868, with internal and published modifications).

NM_002691.4(POLD1):c.2580G>A (p.Ala860=)

Gene: POLD1 (DNA polymerase delta 1, catalytic subunit; plus strand). Cytogenetic location: 19q13.33.
Variant type: single nucleotide variant.
Coding change: c.2580G>A on transcript NM_002691.4 (MANE Select); coding-DNA position 2580, G replaced by A.
Protein change: p.Ala860=; no amino-acid change (alanine 860 retained).
Molecular consequence: synonymous variant. On other transcripts: non-coding transcript variant (1).
Genome position (GRCh38, 1-based): chr19:50,415,453, G>A. VCF-style: chr19-50415453-G-A. GRCh37 (hg19) VCF-style: chr19-50918710-G-A.
Other names: c.2580G>A, p.Ala860= (NM_001256849.1); c.2658G>A, p.Ala886= (NM_001308632.1).
Identifiers: ClinVar variation 385777 (VCV000385777.18), dbSNP rs374533728, ClinGen allele CA9596593.